The following is an entry in ClinVar:

ClinVar aggregate classification (germline): Uncertain significance (1 of 4 stars; one submission).

Conditions:
Sphingolipid activator protein 1 deficiency. Also called: Saposin B Deficiency; Metachromatic leukodystrophy due to saposin B deficiency; METACHROMATIC LEUKODYSTROPHY DUE TO CEREBROSIDE SULFATASE ACTIVATOR DEFICIENCY. Identifiers: Orphanet 512, MedGen C0268262, MONDO:0009590, OMIM 249900.

Allele frequency attached by ClinVar (database versions not stated): gnomAD exomes below 0.00001.

Submission:

Labcorp Genetics (formerly Invitae), Labcorp
Classification: Uncertain significance for Sphingolipid activator protein 1 deficiency. Last evaluated: 2021-04-27. Review status: criteria provided, single submitter. Criteria: Invitae Variant Classification Sherloc (09022015). Collection method: clinical testing. Allele origin: germline.
Comment: In summary, the available evidence is currently insufficient to determine the role of this variant in disease. Therefore, it has been classified as a Variant of Uncertain Significance. Algorithms developed to predict the effect of missense changes on protein structure and function are either unavailable or do not agree on the potential impact of this missense change (SIFT: "Not Available"; PolyPhen-2: "Possibly Damaging"; Align-GVGD: "Not Available"). This variant has not been reported in the literature in individuals with PSAP-related conditions. This variant is not present in population databases (ExAC no frequency). This sequence change replaces aspartic acid with asparagine at codon 64 of the PSAP protein (p.Asp64Asn). The aspartic acid residue is highly conserved and there is a small physicochemical difference between aspartic acid and asparagine.

NM_002778.4(PSAP):c.190G>A (p.Asp64Asn)

Gene: PSAP (prosaposin; minus strand). Cytogenetic location: 10q22.1.
Variant type: single nucleotide variant.
Coding change: c.190G>A on transcript NM_002778.4 (MANE Select); coding-DNA position 190, G replaced by A.
Protein change: p.Asp64Asn; replaces aspartic acid 64 with asparagine.
Molecular consequence: missense variant.
Genome position (GRCh38, 1-based): chr10:71,831,905, C>T on the plus strand (G>A on the coding strand, the complement: PSAP is on the minus strand). VCF-style: chr10-71831905-C-T. GRCh37 (hg19) VCF-style: chr10-73591662-C-T.
Other names: c.190G>A, p.Asp64Asn (NM_001042465.3, NM_001042466.3); short protein forms D64N.
Identifiers: ClinVar variation 1384090 (VCV001384090.4), dbSNP rs1842528237, ClinGen allele CA377155052.
Genomic context (GRCh38, chr10:71,831,905, plus strand): 5'-CCTCAGTGGCATTGTCCTTCAGCATATCACCAGCTGCGGTGACAACGTCTTTGCATATGT[C>T]GCAGGGAAGGGATTTCTAAGAGAAAGAATACGAGAAATTTGTATTTGCAGGACACAAATT-3'
Protein context (NP_002769.1, residues 54-74): NKPTVKSLPC[Asp64Asn]ICKDVVTAAG